The following is an entry in ClinVar:

ClinVar aggregate classification (germline): Uncertain significance. Review status: criteria provided, multiple submitters, no conflicts (2 of 4 stars). 2 submissions from 2 submitters: Uncertain significance (2). Last evaluated 2025-12-15.

Conditions:
Hereditary cancer-predisposing syndrome. Also called: Hereditary neoplastic syndrome; Neoplastic Syndromes, Hereditary; Tumor predisposition; Hereditary Cancer Syndrome. Identifiers: Orphanet 140162, MedGen C0027672, MeSH D009386, MONDO:0015356.

gnomAD v4.1: 3 of 1,611,978 alleles (0.00019%); highest among the groups gnomAD compares: Non-Finnish European, 0.00017%; no homozygotes.

Submissions (2):

Labcorp Genetics (formerly Invitae), Labcorp
Classification: Uncertain significance for Hereditary cancer-predisposing syndrome. Last evaluated: 2025-12-15. Review status: criteria provided, single submitter. Criteria: Invitae Variant Classification Sherloc (09022015). Collection method: clinical testing. Allele origin: germline.
Comment: This sequence change replaces serine, which is neutral and polar, with asparagine, which is neutral and polar, at codon 1055 of the RAD50 protein (p.Ser1055Asn). This variant also falls at the last nucleotide of exon 20, which is part of the consensus splice site for this exon. This variant is not present in population databases (gnomAD no frequency). This variant has not been reported in the literature in individuals affected with RAD50-related conditions. ClinVar contains an entry for this variant (Variation ID: 185510). An algorithm developed to predict the effect of missense changes on protein structure and function outputs the following: PolyPhen-2: "Benign". The asparagine amino acid residue is found in multiple mammalian species, which suggests that this missense change does not adversely affect protein function. Variants that disrupt the consensus splice site are a relatively common cause of aberrant splicing (PMID: 17576681, 9536098). RNA analysis performed to evaluate the impact of this missense change on mRNA splicing indicates it does not significantly alter splicing (internal data). In summary, the available evidence is currently insufficient to determine the role of this variant in disease. Therefore, it has been classified as a Variant of Uncertain Significance.

Ambry Genetics
Classification: Uncertain significance for Hereditary cancer-predisposing syndrome. Last evaluated: 2023-07-26. Review status: criteria provided, single submitter. Criteria: Ambry Variant Classification Scheme 2023. Collection method: clinical testing. Allele origin: germline.
Comment: The c.3164G>A variant (also known as p.S1055N), located in coding exon 20 of the RAD50 gene, results from a G to A substitution at nucleotide position 3164. This change occurs in the last base pair of coding exon 20, which makes it likely to have some effect on normal mRNA splicing. In addition to potential splicing impact, this alteration changes the serine at codon 1055 to asparagine, an amino acid with highly similar properties. Both the nucleotide and amino acid positions are poorly conserved in available vertebrate species, with A being the reference allele and asparagine as the reference amino acid in the majority of mammals. In silico splice site analysis predicts that this alteration will result in the creation or strengthening of a novel splice donor site; however, direct evidence is insufficient at this time (Ambry internal data). In addition, as missense variant, this alteration is predicted to be tolerated by in silico analysis. Since supporting evidence is limited and conflicting at this time, the clinical significance of this alteration remains unclear.

Literature cited by the submitters: PubMed 17576681 (cited by Labcorp Genetics (formerly Invitae), Labcorp); PubMed 9536098 (cited by Labcorp Genetics (formerly Invitae), Labcorp).

NM_005732.4(RAD50):c.3164G>A (p.Ser1055Asn)

Gene: RAD50 (RAD50 double strand break repair protein; plus strand). Cytogenetic location: 5q31.1.
Variant type: single nucleotide variant.
Coding change: c.3164G>A on transcript NM_005732.4 (MANE Select); coding-DNA position 3164, G replaced by A.
Protein change: p.Ser1055Asn; replaces serine 1055 with asparagine.
Molecular consequence: missense variant.
Genome position (GRCh38, 1-based): chr5:132,616,130, G>A. VCF-style: chr5-132616130-G-A. GRCh37 (hg19) VCF-style: chr5-131951822-G-A.
Other names: short protein forms S1055N.
Identifiers: ClinVar variation 185510 (VCV000185510.13), dbSNP rs786202234, ClinGen allele CA333880.
Genomic context (GRCh38, chr5:132,616,130, plus strand): 5'-AAGAAGAAAGAAAACAACATTTGAAGGAAATGGGTCAAATGCAGGTTTTGCAAATGAAAA[G>A]GTATGCTTTTAAAATAATCTTCAGTTTAAATAAACGTCTTTATTACTGGAATGTGAAGAA-3'
Protein context (NP_005723.2, residues 1045-1065): MGQMQVLQMK[Ser1055Asn]EHQKLEENID